The following is an entry in ClinVar:

NM_001349253.2(SCN11A):c.1108C>T (p.Arg370Cys)

Gene: SCN11A (sodium voltage-gated channel alpha subunit 11; minus strand). Cytogenetic location: 3p22.2.
Variant type: single nucleotide variant.
Coding change: c.1108C>T on transcript NM_001349253.2 (MANE Select); coding-DNA position 1108, C replaced by T.
Protein change: p.Arg370Cys; replaces arginine 370 with cysteine.
Molecular consequence: missense variant.
Genome position (GRCh38, 1-based): chr3:38,909,188, G>A on the plus strand (C>T on the coding strand, the complement: SCN11A is on the minus strand). VCF-style: chr3-38909188-G-A. GRCh37 (hg19) VCF-style: chr3-38950679-G-A.
Other names: c.1108C>T, p.Arg370Cys (NM_014139.3); c.1108C>T (NM_014139.2); short protein forms R370C.
Identifiers: ClinVar variation 1025722 (VCV001025722.6), dbSNP rs368754860, ClinGen allele CA2322391.

ClinVar aggregate classification (germline): Uncertain significance. Review status: criteria provided, multiple submitters, no conflicts (2 of 4 stars). 2 submissions from 2 submitters: Uncertain significance (2). Last evaluated 2026-02-02.

Conditions:
SCN11A-related disorder. Also called: SCN11A-related condition.
Hereditary sensory and autonomic neuropathy type 7. Also called: Neuropathy, hereditary sensory and autonomic, type VII; HSAN VII. Identifiers: Orphanet 391397, MedGen C3809882, MONDO:0014244, OMIM 615548.
Familial episodic pain syndrome with predominantly lower limb involvement. Also called: Episodic pain syndrome, familial, 3. Identifiers: Orphanet 391384, Orphanet 391392, MedGen C3809899, MONDO:0014247, OMIM 615552.

Allele frequency attached by ClinVar (database versions not stated): ExAC 0.00001; gnomAD 0.00001; TOPMed 0.00007; ESP Exome Variant Server 0.00008.
gnomAD v4.1: 12 of 1,613,660 alleles (0.00074%); highest among the groups gnomAD compares: African/African-American, 0.0053%; no homozygotes.

Submissions (2):

PreventionGenetics, part of Exact Sciences
Classification: Uncertain significance for SCN11A-related condition. Last evaluated: 2026-02-02. Review status: criteria provided, single submitter. Criteria: ACMG Guidelines, 2015. Collection method: clinical testing. Allele origin: germline.
Comment: The SCN11A c.1108C>T variant is predicted to result in the amino acid substitution p.Arg370Cys. To our knowledge, this variant has not been reported in the literature. This variant is reported in 0.0040% of alleles in individuals of African descent in gnomAD. At this time, the clinical significance of this variant is uncertain due to the absence of conclusive functional and genetic evidence.

Labcorp Genetics (formerly Invitae), Labcorp
Classification: Uncertain significance for Familial episodic pain syndrome with predominantly lower limb involvement; Hereditary sensory and autonomic neuropathy type 7. Last evaluated: 2020-10-27. Review status: criteria provided, single submitter. Criteria: Invitae Variant Classification Sherloc (09022015). Collection method: clinical testing. Allele origin: germline.
Comment: In summary, the available evidence is currently insufficient to determine the role of this variant in disease. Therefore, it has been classified as a Variant of Uncertain Significance. Algorithms developed to predict the effect of missense changes on protein structure and function (SIFT, PolyPhen-2, Align-GVGD) all suggest that this variant is likely to be disruptive, but these predictions have not been confirmed by published functional studies and their clinical significance is uncertain. This variant has not been reported in the literature in individuals with SCN11A-related conditions. This variant is present in population databases (rs368754860, ExAC 0.002%). This sequence change replaces arginine with cysteine at codon 370 of the SCN11A protein (p.Arg370Cys). The arginine residue is moderately conserved and there is a large physicochemical difference between arginine and cysteine.